The following is an entry in ClinVar:

ClinVar aggregate classification (germline): Benign/Likely benign. Review status: criteria provided, multiple submitters, no conflicts (2 of 4 stars). 4 submissions from 4 submitters: Benign (1); Likely benign (1). 2 of the submissions do not count toward it. Last evaluated 2017-03-28.

Conditions:
Hereditary cancer-predisposing syndrome. Also called: Tumor predisposition; Hereditary Cancer Syndrome; Neoplastic Syndromes, Hereditary; Hereditary neoplastic syndrome. Identifiers: Orphanet 140162, MedGen C0027672, MeSH D009386, MONDO:0015356.
Lynch syndrome. Identifiers: Orphanet 144, MedGen C4552100, MONDO:0005835. Disease mechanism: loss of function.
MSH6-related disorder. Also called: MSH6-Related disorders; MSH6-related condition.

Allele frequency attached by ClinVar (database versions not stated): ExAC 0.00001; gnomAD 0.00001; gnomAD exomes 0.00001 and 0.00002; TOPMed 0.00002.
gnomAD v4.1: 32 of 1,594,524 alleles (0.002%); highest among the groups gnomAD compares: African/African-American, 0.0027%; no homozygotes.

Submissions (4):

Color Diagnostics, LLC DBA Color Health
Classification: Likely benign for Hereditary cancer-predisposing syndrome. Last evaluated: 2017-03-28. Review status: criteria provided, single submitter. Criteria: ACMG Guidelines, 2015. Collection method: clinical testing. Allele origin: germline.

GeneDx
Classification: Benign. Last evaluated: 2015-09-15. Review status: criteria provided, single submitter. Criteria: GeneDx Variant Classification Process June 2021. Collection method: clinical testing. Allele origin: germline. Affected: yes.

PreventionGenetics, part of Exact Sciences
Classification: Likely benign for MSH6-related condition. Last evaluated: 2020-12-08. Review status: no assertion criteria provided. Collection method: clinical testing. Allele origin: germline. Not counted in ClinVar's aggregate classification.
Comment: This variant is classified as likely benign based on ACMG/AMP sequence variant interpretation guidelines (Richards et al. 2015 PMID: 25741868, with internal and published modifications).

Department of Pathology and Laboratory Medicine, Sinai Health System
Classification: Uncertain significance for Lynch syndrome. Review status: no assertion criteria provided. Collection method: clinical testing. Allele origin: unknown. Affected: yes. Observed: 1 variant allele. Study: The Canadian Open Genetics Repository (COGR). Not counted in ClinVar's aggregate classification.
Comment: The MSH6 c.*11T>C variant was not identified in the literature nor was it identified in the ClinVar or UMD-LSDB databases. The variant was identified in dbSNP (ID: rs757708396). The variant was identified in control databases in 2 of 245696 chromosomes at a frequency of 0.000008 (Genome Aggregation Database Feb 27, 2017). The variant was observed in the following populations: Latino in 1 of 33520 chromosomes (freq: 0.00003) and European in 1 of 111462 chromosomes (freq: 0.000009), but not in the African, Other, Ashkenazi Jewish, East Asian, Finnish, or South Asian populations. The variant occurs outside of the splicing consensus sequence and in silico or computational prediction software programs (SpliceSiteFinder, MaxEntScan, NNSPLICE, GeneSplicer) do not predict a difference in splicing. In summary, based on the above information, the clinical significance of this variant cannot be determined with certainty at this time. This variant is classified as a variant of uncertain significance.

NM_000179.3(MSH6):c.*11T>C

Gene: MSH6 (mutS homolog 6; plus strand). Cytogenetic location: 2p16.3.
Variant type: single nucleotide variant.
Coding change: c.*11T>C on transcript NM_000179.3 (MANE Select); 11 bases downstream of the stop codon, T replaced by C.
Molecular consequence: 3 prime UTR variant.
Genome position (GRCh38, 1-based): chr2:47,806,871, T>C. VCF-style: chr2-47806871-T-C. GRCh37 (hg19) VCF-style: chr2-48034010-T-C.
Other names: c.*11T>C (NM_001281492.2, NM_001281493.2, NM_001281494.2).
Identifiers: ClinVar variation 627653 (VCV000627653.7), dbSNP rs757708396, ClinGen allele CA067316.